The following is an entry in ClinVar:

NM_021167.5(GATAD1):c.469del (p.Ser156_Val157insTer)

Gene: GATAD1 (GATA zinc finger domain containing 1; plus strand). Cytogenetic location: 7q21.2.
Variant type: Deletion.
Coding change: c.469del on transcript NM_021167.5 (MANE Select); coding-DNA position 469, one base deleted (G; older notation c.469delG).
Protein change: p.Ser156_Val157insTer.
Molecular consequence: nonsense. On other transcripts: non-coding transcript variant (1).
Genome position (GRCh38, 1-based): chr7:92,454,535, G deleted. VCF-style (leftmost placement, unchanged base first): chr7-92454534-TG-T. GRCh37 (hg19) VCF-style: chr7-92083848-TG-T.
Identifiers: ClinVar variation 3519075 (VCV003519075.3).

ClinVar aggregate classification (germline): Uncertain significance. Review status: criteria provided, multiple submitters, no conflicts (2 of 4 stars). 2 submissions from 2 submitters: Uncertain significance (2). Last evaluated 2024-11-27.

Conditions:
Dilated cardiomyopathy 2B. Identifiers: Orphanet 154, MedGen C3553409, MONDO:0013848, OMIM 614672.
Cardiovascular phenotype. Identifiers: MedGen CN230736.

Submissions (2):

Ambry Genetics
Classification: Uncertain significance for Cardiovascular phenotype. Last evaluated: 2024-11-27. Review status: criteria provided, single submitter. Criteria: Ambry Variant Classification Scheme 2023. Collection method: clinical testing. Allele origin: germline.
Comment: The c.469delG variant, located in coding exon 4 of the GATAD1 gene, results from a deletion of one nucleotide at nucleotide position 469, causing a translational frameshift with a predicted alternate stop codon (p.V157*). This alteration is expected to result in protein truncation or nonsense-mediated mRNA decay. However, loss of function of GATAD1 has not been established as a mechanism of disease. The evidence for this gene-disease relationship is limited; therefore, the clinical significance of this alteration is unclear.

Labcorp Genetics (formerly Invitae), Labcorp
Classification: Uncertain significance for Dilated cardiomyopathy 2B. Last evaluated: 2024-09-17. Review status: criteria provided, single submitter. Criteria: Invitae Variant Classification Sherloc (09022015). Collection method: clinical testing. Allele origin: germline.
Comment: This sequence change creates a premature translational stop signal (p.Val157*) in the GATAD1 gene. It is expected to result in an absent or disrupted protein product. However, the current clinical and genetic evidence is not sufficient to establish whether loss-of-function variants in GATAD1 cause disease. This variant is present in population databases (no rsID available, gnomAD 0.007%). This variant has not been reported in the literature in individuals affected with GATAD1-related conditions. In summary, the available evidence is currently insufficient to determine the role of this variant in disease. Therefore, it has been classified as a Variant of Uncertain Significance.